The following is an entry in ClinVar:

NM_000081.4(LYST):c.9162+11G>A

Gene: LYST (lysosomal trafficking regulator; minus strand). Cytogenetic location: 1q42.3.
Variant type: single nucleotide variant.
Coding change: c.9162+11G>A on transcript NM_000081.4 (MANE Select); 11 bases into the intron after coding-DNA position 9162, G replaced by A.
Molecular consequence: intron variant.
Genome position (GRCh38, 1-based): chr1:235,728,065, C>T on the plus strand (G>A on the coding strand, the complement: LYST is on the minus strand). VCF-style: chr1-235728065-C-T. GRCh37 (hg19) VCF-style: chr1-235891365-C-T.
Other names: c.9162+11G>A (NM_001301365.1).
Identifiers: ClinVar variation 296364 (VCV000296364.13), dbSNP rs74958355, ClinGen allele CA1465661.

ClinVar aggregate classification (germline): Benign/Likely benign. Review status: criteria provided, multiple submitters, no conflicts (2 of 4 stars). 3 submissions from 3 submitters: Benign (1); Likely benign (2). Last evaluated 2026-01-23.

Conditions:
Chédiak-Higashi syndrome (CHS). Also called: Chediak-Higashi Syndrome. Identifiers: Orphanet 167, MedGen C0007965, MONDO:0008963, OMIM 214500.

Allele frequency attached by ClinVar (database versions not stated): gnomAD 0.00009; TOPMed 0.00023; ExAC 0.00027; 1000 Genomes Project 30x 0.00047; 1000 Genomes Project 0.00060.
gnomAD v4.1: 136 of 1,597,176 alleles (0.0085%); highest among the groups gnomAD compares: East Asian, 0.27%; no homozygotes.

Submissions (3):

Labcorp Genetics (formerly Invitae), Labcorp
Classification: Benign for Chédiak-Higashi syndrome. Last evaluated: 2026-01-23. Review status: criteria provided, single submitter. Criteria: Invitae Variant Classification Sherloc (09022015). Collection method: clinical testing. Allele origin: germline.

Blueprint Genetics
Classification: Likely benign. Last evaluated: 2024-11-08. Review status: criteria provided, single submitter. Criteria: ACMG Guidelines, 2015. Collection method: clinical testing. Allele origin: germline.

Illumina Laboratory Services, Illumina
Classification: Likely benign for Chédiak-Higashi syndrome. Last evaluated: 2018-01-13. Review status: criteria provided, single submitter. Criteria: ICSL Variant Classification Criteria 13 December 2019. Collection method: clinical testing. Allele origin: germline.
Comment: This variant was observed in the ICSL laboratory as part of a predisposition screen in an ostensibly healthy population. It had not been previously curated by ICSL or reported in the Human Gene Mutation Database (HGMD: prior to June 1st, 2018), and was therefore a candidate for classification through an automated scoring system. Utilizing variant allele frequency, disease prevalence and penetrance estimates, and inheritance mode, an automated score was calculated to assess if this variant is too frequent to cause the disease. Based on the score and internal cut-off values, a variant classified as likely benign is not then subjected to further curation. The score for this variant resulted in a classification of likely benign for this disease.